The following is an entry in ClinVar:

NM_000341.4(SLC3A1):c.1412C>G (p.Thr471Arg)

Gene: SLC3A1 (solute carrier family 3 member 1; plus strand). Cytogenetic location: 2p21.
Variant type: single nucleotide variant.
Coding change: c.1412C>G on transcript NM_000341.4 (MANE Select); coding-DNA position 1412, C replaced by G.
Protein change: p.Thr471Arg; replaces threonine 471 with arginine.
Molecular consequence: missense variant.
Genome position (GRCh38, 1-based): chr2:44,312,665, C>G. VCF-style: chr2-44312665-C-G. GRCh37 (hg19) VCF-style: chr2-44539804-C-G.
Other names: short protein forms T471R.
Identifiers: ClinVar variation 2203059 (VCV002203059.4), dbSNP rs369754865, ClinGen allele CA1640580.

ClinVar aggregate classification (germline): Uncertain significance (1 of 4 stars; one submission).

Conditions:
Cystinuria (CSNU). Also called: CYSTINURIA, TYPE I; CYSTINURIA, TYPE II; CYSTINURIA, TYPE III; Cystinuria, non-type I. Identifiers: Orphanet 214, MedGen C0010691, MONDO:0009067, OMIM 220100, HP:0003131.

Allele frequency attached by ClinVar (database versions not stated): ExAC 0.00001; gnomAD 0.00001; gnomAD exomes 0.00001; TOPMed 0.00001; ESP Exome Variant Server 0.00008.
gnomAD v4.1: 13 of 1,613,618 alleles (0.00081%); highest among the groups gnomAD compares: South Asian, 0.0011%; no homozygotes.

Submission:

Labcorp Genetics (formerly Invitae), Labcorp
Classification: Uncertain significance for Cystinuria. Last evaluated: 2022-01-14. Review status: criteria provided, single submitter. Criteria: Invitae Variant Classification Sherloc (09022015). Collection method: clinical testing. Allele origin: germline.
Comment: In summary, the available evidence is currently insufficient to determine the role of this variant in disease. Therefore, it has been classified as a Variant of Uncertain Significance. Algorithms developed to predict the effect of sequence changes on RNA splicing suggest that this variant may create or strengthen a splice site. Algorithms developed to predict the effect of missense changes on protein structure and function are either unavailable or do not agree on the potential impact of this missense change (SIFT: "Deleterious"; PolyPhen-2: "Probably Damaging"; Align-GVGD: "Class C0"). This missense change has been observed in individual(s) with cystinuria (PMID: 25109415, 25964309; Invitae). This variant is present in population databases (rs369754865, gnomAD 0.0009%). This sequence change replaces threonine, which is neutral and polar, with arginine, which is basic and polar, at codon 471 of the SLC3A1 protein (p.Thr471Arg).

Literature cited by the submitters: PubMed 25109415; PubMed 25964309.